The following is an entry in ClinVar:

ClinVar aggregate classification (germline): Uncertain significance. Review status: criteria provided, multiple submitters, no conflicts (2 of 4 stars). 3 submissions from 3 submitters: Uncertain significance (3). Last evaluated 2025-09-26.

Conditions:
Maple syrup urine disease (MSUD). Identifiers: Orphanet 511, MedGen C0024776, MeSH D008375, MONDO:0009563. Disease mechanism: loss of function.

Submissions (3):

Labcorp Genetics (formerly Invitae), Labcorp
Classification: Uncertain significance for Maple syrup urine disease. Last evaluated: 2025-09-26. Review status: criteria provided, single submitter. Criteria: Invitae Variant Classification Sherloc (09022015). Collection method: clinical testing. Allele origin: germline.
Comment: This sequence change replaces isoleucine, which is neutral and non-polar, with threonine, which is neutral and polar, at codon 138 of the DBT protein (p.Ile138Thr). This variant is not present in population databases (gnomAD no frequency). This missense change has been observed in individual(s) with maple syrup urine disease (PMID: 9609836). This variant is also known as I77T. ClinVar contains an entry for this variant (Variation ID: 2577363). Invitae Evidence Modeling of protein sequence and biophysical properties (such as structural, functional, and spatial information, amino acid conservation, physicochemical variation, residue mobility, and thermodynamic stability) indicates that this missense variant is expected to disrupt DBT protein function with a positive predictive value of 95%. In summary, the available evidence is currently insufficient to determine the role of this variant in disease. Therefore, it has been classified as a Variant of Uncertain Significance.

GeneDx
Classification: Uncertain significance. Last evaluated: 2025-05-14. Review status: criteria provided, single submitter. Criteria: GeneDx Variant Classification Process June 2021. Collection method: clinical testing. Allele origin: germline. Affected: yes.
Comment: Not observed at significant frequency in large population cohorts (gnomAD); In silico analysis supports that this missense variant has a deleterious effect on protein structure/function; Also known as p.(I77T); This variant is associated with the following publications: (PMID: 11839747, 9609836, 14742428)

Women's Health and Genetics/Laboratory Corporation of America, LabCorp
Classification: Uncertain significance. Last evaluated: 2023-07-07. Review status: criteria provided, single submitter. Criteria: LabCorp Variant Classification Summary - May 2015. Collection method: clinical testing. Allele origin: germline.
Comment: Variant summary: DBT c.413T>C (p.Ile138Thr) results in a non-conservative amino acid change located in the Biotin/lipoyl attachment domain (IPR000089) of the encoded protein sequence. Five of five in-silico tools predict a damaging effect of the variant on protein function. The variant was absent in 249782 control chromosomes (gnomAD). The available data on variant occurrences in the general population are insufficient to allow any conclusion about variant significance. c.413T>C has been reported in the literature in individuals affected with Maple Syrup Urine Disease (under legacy name p.I77T, Chuang_2004). These data do not allow any conclusion about variant significance. To our knowledge, no experimental evidence demonstrating an impact on protein function has been reported. The following publication have been ascertained in the context of this evaluation (PMID: 14742428). No submitters have cited clinical-significance assessments for this variant to ClinVar after 2014. Based on the evidence outlined above, the variant was classified as uncertain significance.

Literature cited by the submitters: PubMed 9609836 (cited by Labcorp Genetics (formerly Invitae), Labcorp); PubMed 14742428 (cited by Women's Health and Genetics/Laboratory Corporation of America, LabCorp).

NM_001918.5(DBT):c.413T>C (p.Ile138Thr)

Gene: DBT (dihydrolipoamide branched chain transacylase E2; minus strand). Cytogenetic location: 1p21.2.
Variant type: single nucleotide variant.
Coding change: c.413T>C on transcript NM_001918.5 (MANE Select); coding-DNA position 413, T replaced by C.
Protein change: p.Ile138Thr; replaces isoleucine 138 with threonine.
Molecular consequence: missense variant. On other transcripts: 5 prime UTR variant (2), non-coding transcript variant (3).
Genome position (GRCh38, 1-based): chr1:100,230,753, A>G on the plus strand (T>C on the coding strand, the complement: DBT is on the minus strand). VCF-style: chr1-100230753-A-G. GRCh37 (hg19) VCF-style: chr1-100696309-A-G.
Other names: c.-131T>C (NM_001399969.1, NM_001399972.1); c.413T>C (NM_001918.2); short protein forms I138T.
Identifiers: ClinVar variation 2577363 (VCV002577363.3), dbSNP rs2524216248, ClinGen allele CA341343509.